The following is an entry in ClinVar:

ClinVar aggregate classification (germline): Conflicting classifications of pathogenicity. Review status: criteria provided, conflicting classifications (1 of 4 stars). 11 submissions from 11 submitters: Uncertain significance (2); Benign (4); Likely benign (3). 2 of the submissions do not count toward it. Last evaluated 2026-05-01.

Conditions:
Inborn genetic diseases. Identifiers: MedGen C0950123, MeSH D030342.
CHARGE syndrome (CHARGE). Also called: Coloboma, heart anomaly, choanal atresia, retardation, genital and ear anomalies; CHARGE association; Hall-Hittner syndrome; CHARGE ASSOCIATION--COLOBOMA, HEART ANOMALY, CHOANAL ATRESIA, RETARDATION, GENITAL AND EAR ANOMALIES; Hittner Hirsch Kreh syndrome. Identifiers: Orphanet 138, MedGen C0265354, MONDO:0008965.

Allele frequency attached by ClinVar (database versions not stated): ESP Exome Variant Server 0.00042; 1000 Genomes Project 30x 0.00047; gnomAD exomes 0.00051 and 0.00021; gnomAD 0.00021; ExAC 0.00035; TOPMed 0.00039; 1000 Genomes Project 0.00040.
gnomAD v4.1: 369 of 1,613,718 alleles (0.023%); highest among the groups gnomAD compares: Admixed American, 0.11%; 2 homozygotes.

Submissions (11):

CeGaT Center for Human Genetics Tuebingen
Classification: Likely benign. Last evaluated: 2026-05-01. Review status: criteria provided, single submitter. Criteria: CeGaT Center For Human Genetics Tuebingen Variant Classification Criteria Version 2. Collection method: clinical testing. Allele origin: germline. Affected: yes. Observed: 6 variant alleles.
Comment: CHD7: BP4, BP7, BS1

Labcorp Genetics (formerly Invitae), Labcorp
Classification: Benign for CHARGE syndrome. Last evaluated: 2026-02-03. Review status: criteria provided, single submitter. Criteria: Invitae Variant Classification Sherloc (09022015). Collection method: clinical testing. Allele origin: germline.

Blueprint Genetics
Classification: Benign. Last evaluated: 2024-10-25. Review status: criteria provided, single submitter. Criteria: ACMG Guidelines, 2015. Collection method: clinical testing. Allele origin: germline.

Ambry Genetics
Classification: Likely benign for Inborn genetic diseases. Last evaluated: 2017-12-29. Review status: criteria provided, single submitter. Criteria: Ambry Variant Classification Scheme 2023. Collection method: clinical testing. Allele origin: germline.

Women's Health and Genetics/Laboratory Corporation of America, LabCorp
Classification: Benign. Last evaluated: 2017-09-25. Review status: criteria provided, single submitter. Criteria: LabCorp Variant Classification Summary - May 2015. Collection method: clinical testing. Allele origin: germline.
Comment: Variant summary: The CHD7 c.6822T>C (p.Ala2274Ala) variant involves the alteration of a non-conserved nucleotide, resulting in a synonymous change. One in silico tool predicts a damaging outcome for this variant. 5/5 splice prediction tools predict no significant impact on normal splicing. ESE finder predicts that this variant may affect ESE site of SC35. However, these predictions have yet to be confirmed by functional studies. This variant was found in 42/119700 control chromosomes at a frequency of 0.0003509, which is approximately 281 times the estimated maximal expected allele frequency of a pathogenic CHD7 variant (0.0000013), suggesting this variant is likely a benign polymorphism. Although multiple clinical diagnostic laboratories/reputable databases classified this variant as uncertain significance, this variant is classified as benign based on its frequency in controls.

Laboratory for Molecular Medicine, Mass General Brigham Personalized Medicine
Classification: Likely benign. Last evaluated: 2017-08-23. Review status: criteria provided, single submitter. Criteria: LMM Criteria. Collection method: clinical testing. Allele origin: germline. Observed: 1 variant allele.
Comment: p.Ala2274Ala in exon 32 of CHD7: This variant is not expected to have clinical s ignificance because it does not alter an amino acid residue and is not located w ithin the splice consensus sequence. It has been identified in 0.10% (12/11440) of Latino chromosomes by the Exome Aggregation Consortium (ExAC; dbSNP rs61743849).

Genetic Services Laboratory, University of Chicago
Classification: Uncertain significance. Last evaluated: 2016-07-22. Review status: criteria provided, single submitter. Criteria: ACMG Guidelines, 2015. Collection method: clinical testing. Allele origin: germline. Affected: no.

GeneDx
Classification: Benign. Last evaluated: 2015-03-03. Review status: criteria provided, single submitter. Criteria: GeneDx Variant Classification Process June 2021. Collection method: clinical testing. Allele origin: germline. Affected: yes.

Eurofins Ntd Llc (ga)
Classification: Uncertain significance. Last evaluated: 2014-12-30. Review status: criteria provided, single submitter. Criteria: EGL Classification Definitions 2015. Collection method: clinical testing. Allele origin: germline. Observed: 2 variant alleles, 2 heterozygotes.

Clinical Genetics DNA and cytogenetics Diagnostics Lab, Erasmus MC, Erasmus Medical Center
Classification: Likely benign. Review status: no assertion criteria provided. Collection method: clinical testing. Allele origin: germline. Affected: yes. Study: VKGL Data-share Consensus. Not counted in ClinVar's aggregate classification.

Genome Diagnostics Laboratory, University Medical Center Utrecht
Classification: Likely benign. Review status: no assertion criteria provided. Collection method: clinical testing. Allele origin: germline. Affected: yes. Study: VKGL Data-share Consensus. Not counted in ClinVar's aggregate classification.

Literature cited by the submitters: PubMed 22461308 (cited by Women's Health and Genetics/Laboratory Corporation of America, LabCorp); PubMed 21158681 (cited by Women's Health and Genetics/Laboratory Corporation of America, LabCorp).

NM_017780.4(CHD7):c.6822T>C (p.Ala2274=)

Gene: CHD7 (chromodomain helicase DNA binding protein 7; plus strand). Cytogenetic location: 8q12.2.
Variant type: single nucleotide variant.
Coding change: c.6822T>C on transcript NM_017780.4 (MANE Select); coding-DNA position 6822, T replaced by C.
Protein change: p.Ala2274=; no amino-acid change (alanine 2274 retained).
Molecular consequence: synonymous variant. On other transcripts: intron variant (1).
Genome position (GRCh38, 1-based): chr8:60,854,409, T>C. VCF-style: chr8-60854409-T-C. GRCh37 (hg19) VCF-style: chr8-61766968-T-C.
Other names: c.1717-7820T>C (NM_001316690.1).
Identifiers: ClinVar variation 196789 (VCV000196789.56), dbSNP rs61743849, ClinGen allele CA244161.